The following is an entry in ClinVar:

NM_032603.5(LOXL3):c.1207G>A (p.Gly403Arg)

Gene: LOXL3 (lysyl oxidase like 3; minus strand). Cytogenetic location: 2p13.1.
Variant type: single nucleotide variant.
Coding change: c.1207G>A on transcript NM_032603.5 (MANE Select); coding-DNA position 1207, G replaced by A.
Protein change: p.Gly403Arg; replaces glycine 403 with arginine.
Molecular consequence: missense variant.
Genome position (GRCh38, 1-based): chr2:74,536,037, C>T on the plus strand (G>A on the coding strand, the complement: LOXL3 is on the minus strand). VCF-style: chr2-74536037-C-T. GRCh37 (hg19) VCF-style: chr2-74763164-C-T.
Other names: c.772G>A, p.Gly258Arg (NM_001289164.3); c.124G>A, p.Gly42Arg (NM_001289165.2); short protein forms G258R, G403R, G42R.
Identifiers: ClinVar variation 2800500 (VCV002800500.3), dbSNP rs753657092, ClinGen allele CA1728957.

ClinVar aggregate classification (germline): Uncertain significance (1 of 4 stars; one submission).

Allele frequency attached by ClinVar (database versions not stated): TOPMed below 0.00001; ExAC 0.00001; gnomAD 0.00001; gnomAD exomes 0.00001.
gnomAD v4.1: 10 of 1,603,512 alleles (0.00062%); highest among the groups gnomAD compares: South Asian, 0.0022%; no homozygotes.

Submission:

Labcorp Genetics (formerly Invitae), Labcorp
Classification: Uncertain significance. Last evaluated: 2024-01-21. Review status: criteria provided, single submitter. Criteria: Invitae Variant Classification Sherloc (09022015). Collection method: clinical testing. Allele origin: germline.
Comment: This sequence change replaces glycine, which is neutral and non-polar, with arginine, which is basic and polar, at codon 403 of the LOXL3 protein (p.Gly403Arg). The frequency data for this variant in the population databases is considered unreliable, as metrics indicate poor data quality at this position in the gnomAD database. This variant has not been reported in the literature in individuals affected with LOXL3-related conditions. An algorithm developed to predict the effect of missense changes on protein structure and function (PolyPhen-2) suggests that this variant is likely to be disruptive. In summary, the available evidence is currently insufficient to determine the role of this variant in disease. Therefore, it has been classified as a Variant of Uncertain Significance.